The following is an entry in ClinVar:

NM_000038.6(APC):c.6268_6291del (p.His2090_Glu2097del)

Gene: APC (APC regulator of Wnt signaling pathway; plus strand). Cytogenetic location: 5q22.2.
Variant type: Deletion.
Coding change: c.6268_6291del on transcript NM_000038.6 (MANE Select); coding-DNA positions 6268 to 6291, 24 bases deleted (CATGGTCTATCCCCTGATTCAGAA).
Protein change: p.His2090_Glu2097del.
Molecular consequence: inframe deletion. On other transcripts: non-coding transcript variant (2).
Genome position (GRCh38, 1-based): chr5:112,841,862-112,841,885, CATGGTCTATCCCCTGATTCAGAA deleted; deleting any 24 consecutive bases within chr5:112,841,853-112,841,885 gives the same sequence; the c. name uses the placement nearest the transcript's 3' end. VCF-style (leftmost placement, unchanged base first): chr5-112841852-AGATTCAGAACATGGTCTATCCCCT-A. GRCh37 (hg19) VCF-style: chr5-112177549-AGATTCAGAACATGGTCTATCCCCT-A.
Other names: c.6268_6291del, p.His2090_Glu2097del (NM_001127510.3, NM_001354895.2, NM_001407450.1); c.6214_6237del, p.His2072_Glu2079del (NM_001127511.3); c.6322_6345del, p.His2108_Glu2115del (NM_001354896.2, NM_001407447.1, NM_001407448.1 and 1 more transcripts); c.6298_6321del, p.His2100_Glu2107del (NM_001354897.2); c.6193_6216del, p.His2065_Glu2072del (NM_001354898.2); c.6184_6207del, p.His2062_Glu2069del (NM_001354899.2); c.6145_6168del, p.His2049_Glu2056del (NM_001354900.2); c.6091_6114del, p.His2031_Glu2038del (NM_001354901.2, NM_001407453.1); and 11 more.
Identifiers: ClinVar variation 2452688 (VCV002452688.2), dbSNP rs2533701798, ClinGen allele CA2580072314.

ClinVar aggregate classification (germline): Uncertain significance (1 of 4 stars; one submission).

Conditions:
Hereditary cancer-predisposing syndrome. Also called: Neoplastic Syndromes, Hereditary; Tumor predisposition; Hereditary neoplastic syndrome; Hereditary Cancer Syndrome. Identifiers: Orphanet 140162, MedGen C0027672, MeSH D009386, MONDO:0015356.

Submission:

Ambry Genetics
Classification: Uncertain significance for Hereditary cancer-predisposing syndrome. Last evaluated: 2022-12-06. Review status: criteria provided, single submitter. Criteria: Ambry Variant Classification Scheme 2023. Collection method: clinical testing. Allele origin: germline.
Comment: The c.6268_6291del24 variant (also known as p.H2090_E2097del) is located in coding exon 15 of the APC gene. This variant results from an in-frame deletion of 24 nucleotides at nucleotide positions 6268 to 6291. This results in the in-frame deletion of 8 amino acids (HGLSPDSE) at codons 2090 to 2097. This amino acid region is well conserved in available vertebrate species. Since supporting evidence is limited at this time, the clinical significance of this alteration remains unclear.